The following is an entry in ClinVar:

ClinVar aggregate classification (germline): Likely benign. Review status: criteria provided, multiple submitters, no conflicts (2 of 4 stars). 3 submissions from 3 submitters: Likely benign (2). 1 of the submissions does not count toward it. Last evaluated 2026-07-01.

Conditions:
TH-deficient dopa-responsive dystonia. Also called: Segawa syndrome, autosomal recessive; Tyrosine Hydroxylase-Deficient Dopa-Responsive Dystonia; DYT-TH. Identifiers: Orphanet 101150, MedGen C2673535, MONDO:0011551, OMIM 605407.

Allele frequency attached by ClinVar (database versions not stated): gnomAD 0.00001; TOPMed 0.00007; ExAC 0.00009; gnomAD exomes 0.00018.
gnomAD v4.1: 45 of 1,560,696 alleles (0.0029%); highest among the groups gnomAD compares: Admixed American, 0.062%; 1 homozygote.

Submissions (3):

CeGaT Center for Human Genetics Tuebingen
Classification: Likely benign. Last evaluated: 2026-07-01. Review status: criteria provided, single submitter. Criteria: CeGaT Center For Human Genetics Tuebingen Variant Classification Criteria Version 2. Collection method: clinical testing. Allele origin: germline. Affected: yes. Observed: 1 variant allele.
Comment: TH: BP4, BP7

Labcorp Genetics (formerly Invitae), Labcorp
Classification: Likely benign for TH-deficient dopa-responsive dystonia. Last evaluated: 2026-01-11. Review status: criteria provided, single submitter. Criteria: Invitae Variant Classification Sherloc (09022015). Collection method: clinical testing. Allele origin: germline.

Natera, Inc.
Classification: Uncertain significance for Autosomal recessive Segawa syndrome. Last evaluated: 2020-02-13. Review status: no assertion criteria provided. Collection method: clinical testing. Allele origin: germline. Not counted in ClinVar's aggregate classification.

NM_000360.4(TH):c.1077G>A (p.Ser359=)

Gene: TH (tyrosine hydroxylase; minus strand). Cytogenetic location: 11p15.5.
Variant type: single nucleotide variant.
Coding change: c.1077G>A on transcript NM_000360.4 (MANE Select); coding-DNA position 1077, G replaced by A.
Protein change: p.Ser359=; no amino-acid change (serine 359 retained).
Molecular consequence: synonymous variant.
Genome position (GRCh38, 1-based): chr11:2,166,029, C>T on the plus strand (G>A on the coding strand, the complement: TH is on the minus strand). VCF-style: chr11-2166029-C-T. GRCh37 (hg19) VCF-style: chr11-2187259-C-T.
Other names: c.1170G>A, p.Ser390= (NM_199292.3); c.1158G>A, p.Ser386= (NM_199293.3).
Identifiers: ClinVar variation 700573 (VCV000700573.12), dbSNP rs759797905, ClinGen allele CA5818391.
Genomic context (GRCh38, chr11:2,166,029, plus strand): 5'-CACCCCAGGCCCTGCAGGGAGGGGTCAACCCACCGTGGACAGCTTCTCAATTTCCTCATC[C>T]GAGGCCCCCAGGGACGCCAGGCCAATGTCCTGTGGAGCAGGGAGGATGAAGGATGGGGAG-3'
Protein context (NP_000351.2, residues 349-369): QDIGLASLGA[Ser359=]DEEIEKLSTL